The following is an entry in ClinVar:

NM_001277115.2(DNAH11):c.10775A>G (p.Tyr3592Cys)

Gene: DNAH11 (dynein axonemal heavy chain 11; plus strand). Cytogenetic location: 7p15.3.
Variant type: single nucleotide variant.
Coding change: c.10775A>G on transcript NM_001277115.2 (MANE Select); coding-DNA position 10775, A replaced by G.
Protein change: p.Tyr3592Cys; replaces tyrosine 3592 with cysteine.
Molecular consequence: missense variant.
Genome position (GRCh38, 1-based): chr7:21,842,627, A>G. VCF-style: chr7-21842627-A-G. GRCh37 (hg19) VCF-style: chr7-21882245-A-G.
Other names: short protein forms Y3592C.
Identifiers: ClinVar variation 410852 (VCV000410852.6), dbSNP rs1060503062, ClinGen allele CA16612348.

ClinVar aggregate classification (germline): Uncertain significance (1 of 4 stars; one submission).

Conditions:
Primary ciliary dyskinesia. Also called: Ciliary dyskinesia. Identifiers: Orphanet 244, MedGen C0008780, MONDO:0016575, HP:0012265.

Allele frequency attached by ClinVar (database versions not stated): gnomAD exomes below 0.00001.

Submission:

Labcorp Genetics (formerly Invitae), Labcorp
Classification: Uncertain significance for Primary ciliary dyskinesia. Last evaluated: 2021-09-01. Review status: criteria provided, single submitter. Criteria: Invitae Variant Classification Sherloc (09022015). Collection method: clinical testing. Allele origin: germline.
Comment: This sequence change replaces tyrosine with cysteine at codon 3592 of the DNAH11 protein (p.Tyr3592Cys). The tyrosine residue is highly conserved and there is a large physicochemical difference between tyrosine and cysteine. This variant is not present in population databases (ExAC no frequency). This variant has not been reported in the literature in individuals affected with DNAH11-related conditions. Algorithms developed to predict the effect of missense changes on protein structure and function (SIFT, PolyPhen-2, Align-GVGD) all suggest that this variant is likely to be disruptive. Algorithms developed to predict the effect of sequence changes on RNA splicing suggest that this variant may create or strengthen a splice site. In summary, the available evidence is currently insufficient to determine the role of this variant in disease. Therefore, it has been classified as a Variant of Uncertain Significance.